The following is an entry in ClinVar:

ClinVar aggregate classification (germline): Uncertain significance. Review status: criteria provided, multiple submitters, no conflicts (2 of 4 stars). 2 submissions from 2 submitters: Uncertain significance (2). Last evaluated 2025-03-31.

Conditions:
Inborn genetic diseases. Identifiers: MedGen C0950123, MeSH D030342.
Ehlers-Danlos syndrome, musculocontractural type 2 (EDSMC2). Identifiers: Orphanet 2953, MedGen C3809845, MONDO:0014236, OMIM 615539.

Allele frequency attached by ClinVar (database versions not stated): TOPMed 0.00002; gnomAD exomes 0.00003.
gnomAD v4.1: 45 of 1,614,018 alleles (0.0028%); highest among the groups gnomAD compares: African/African-American, 0.004%; no homozygotes.

Submissions (2):

Labcorp Genetics (formerly Invitae), Labcorp
Classification: Uncertain significance for Ehlers-Danlos syndrome, musculocontractural type 2. Last evaluated: 2025-03-31. Review status: criteria provided, single submitter. Criteria: Invitae Variant Classification Sherloc (09022015). Collection method: clinical testing. Allele origin: germline.
Comment: This sequence change replaces arginine, which is basic and polar, with cysteine, which is neutral and slightly polar, at codon 815 of the DSE protein (p.Arg815Cys). This variant is not present in population databases (gnomAD no frequency). This variant has not been reported in the literature in individuals affected with DSE-related conditions. ClinVar contains an entry for this variant (Variation ID: 1446315). An algorithm developed to predict the effect of missense changes on protein structure and function (PolyPhen-2) suggests that this variant is likely to be tolerated. In summary, the available evidence is currently insufficient to determine the role of this variant in disease. Therefore, it has been classified as a Variant of Uncertain Significance.

Ambry Genetics
Classification: Uncertain significance for Inborn genetic diseases. Last evaluated: 2021-07-21. Review status: criteria provided, single submitter. Criteria: Ambry Variant Classification Scheme 2023. Collection method: clinical testing. Allele origin: germline.

NM_013352.4(DSE):c.2443C>T (p.Arg815Cys)

Gene: DSE (dermatan sulfate epimerase; plus strand). Cytogenetic location: 6q22.1.
Variant type: single nucleotide variant.
Coding change: c.2443C>T on transcript NM_013352.4 (MANE Select); coding-DNA position 2443, C replaced by T.
Protein change: p.Arg815Cys; replaces arginine 815 with cysteine.
Molecular consequence: missense variant. On other transcripts: 3 prime UTR variant (2), non-coding transcript variant (1).
Genome position (GRCh38, 1-based): chr6:116,436,911, C>T. VCF-style: chr6-116436911-C-T. GRCh37 (hg19) VCF-style: chr6-116758074-C-T.
Other names: c.2443C>T (NM_013352.2); c.2443C>T, p.Arg815Cys (NM_001080976.3, NM_001322937.2, NM_001322938.2); c.2500C>T, p.Arg834Cys (NM_001322939.2); c.1882C>T, p.Arg628Cys (NM_001322940.2, NM_001322941.2); c.*1308C>T (NM_001322943.2, NM_001322944.2); c.1444C>T, p.Arg482Cys (NM_001374520.1); c.1408C>T, p.Arg470Cys (NM_001374521.1); short protein forms R628C, R834C, R482C, R470C, R815C.
Identifiers: ClinVar variation 1446315 (VCV001446315.9), dbSNP rs760979521, ClinGen allele CA145886809.